The following is an entry in ClinVar:

NM_006015.6(ARID1A):c.5618C>T (p.Pro1873Leu)

Gene: ARID1A (AT-rich interaction domain 1A; plus strand). Cytogenetic location: 1p36.11.
Variant type: single nucleotide variant.
Coding change: c.5618C>T on transcript NM_006015.6 (MANE Select); coding-DNA position 5618, C replaced by T.
Protein change: p.Pro1873Leu; replaces proline 1873 with leucine.
Molecular consequence: missense variant.
Genome position (GRCh38, 1-based): chr1:26,779,516, C>T. VCF-style: chr1-26779516-C-T. GRCh37 (hg19) VCF-style: chr1-27106007-C-T.
Other names: c.4967C>T, p.Pro1656Leu (NM_139135.4); short protein forms P1656L, P1873L.
Identifiers: ClinVar variation 4710028 (VCV004710028.1).

ClinVar aggregate classification (germline): Uncertain significance (1 of 4 stars; one submission).

Submission:

Labcorp Genetics (formerly Invitae), Labcorp
Classification: Uncertain significance. Last evaluated: 2025-02-03. Review status: criteria provided, single submitter. Criteria: Invitae Variant Classification Sherloc (09022015). Collection method: clinical testing. Allele origin: germline.
Comment: This sequence change replaces proline, which is neutral and non-polar, with leucine, which is neutral and non-polar, at codon 1873 of the ARID1A protein (p.Pro1873Leu). This variant is not present in population databases (gnomAD no frequency). This variant has not been reported in the literature in individuals affected with ARID1A-related conditions. Invitae Evidence Modeling of protein sequence and biophysical properties (such as structural, functional, and spatial information, amino acid conservation, physicochemical variation, residue mobility, and thermodynamic stability) indicates that this missense variant is not expected to disrupt ARID1A protein function with a negative predictive value of 80%. In summary, the available evidence is currently insufficient to determine the role of this variant in disease. Therefore, it has been classified as a Variant of Uncertain Significance.